The following is an entry in ClinVar:

NM_018055.5(NODAL):c.193+12C>T

Gene: NODAL (nodal growth differentiation factor; minus strand). Cytogenetic location: 10q22.1.
Variant type: single nucleotide variant.
Coding change: c.193+12C>T on transcript NM_018055.5 (MANE Select); 12 bases into the intron after coding-DNA position 193, C replaced by T.
Molecular consequence: intron variant.
Genome position (GRCh38, 1-based): chr10:70,441,463, G>A on the plus strand (C>T on the coding strand, the complement: NODAL is on the minus strand). VCF-style: chr10-70441463-G-A. GRCh37 (hg19) VCF-style: chr10-72201219-G-A.
Other names: c.-206-5480C>T (NM_001329906.2).
Identifiers: ClinVar variation 95881 (VCV000095881.29), dbSNP rs10999338, ClinGen allele CA148999.
Genomic context (GRCh38, chr10:70,441,463, plus strand): 5'-GAGTCCGCTGGCTGGACGCGGCGGAGGCGCCCCGGGGGTGCCCAGCAGGGCGCGGCACGC[G>A]GCACTGCCTACCTTCTGCCTGTAGGCTGCGGATGATGTCTGCCCTCGGCAGCGGGTCGCG-3'

ClinVar aggregate classification (germline): Benign. Review status: criteria provided, multiple submitters, no conflicts (2 of 4 stars). 12 submissions from 11 submitters: Benign (10). 2 of the submissions do not count toward it. Last evaluated 2026-02-02.

Conditions:
Holoprosencephaly sequence (HPE). Also called: Holoprosencephaly. Identifiers: Orphanet 2162, MedGen C0079541, MONDO:0016296, HP:0001360.
Heterotaxy, visceral, 5, autosomal (HTX5). Also called: Heterotaxy, visceral, 5. Identifiers: Orphanet 450, MedGen C3495537, MONDO:0700112, OMIM 270100.

Allele frequency attached by ClinVar (database versions not stated): 1000 Genomes Project 30x 0.33182; ESP Exome Variant Server 0.33572; 1000 Genomes Project 0.33966; TOPMed 0.34788; gnomAD 0.35409 and 0.35588; gnomAD exomes 0.39915; ExAC 0.47051.
gnomAD v4.1: 676,128 of 1,565,208 alleles (43%); highest among the groups gnomAD compares: East Asian, 57%; 152,519 homozygotes.

Submissions (12):

Labcorp Genetics (formerly Invitae), Labcorp
Classification: Benign for Heterotaxy, visceral, 5, autosomal. Last evaluated: 2026-02-02. Review status: criteria provided, single submitter. Criteria: Invitae Variant Classification Sherloc (09022015). Collection method: clinical testing. Allele origin: germline.

Blueprint Genetics
Classification: Benign. Last evaluated: 2024-11-27. Review status: criteria provided, single submitter. Criteria: ACMG Guidelines, 2015. Collection method: clinical testing. Allele origin: germline.

Genome-Nilou Lab
Classification: Benign for Heterotaxy, visceral, 5, autosomal. Last evaluated: 2021-09-05. Review status: criteria provided, single submitter. Criteria: ACMG Guidelines, 2015. Collection method: clinical testing. Allele origin: germline. Affected: no.

Illumina Laboratory Services, Illumina
Classification: Benign for Heterotaxy, visceral, 5, autosomal. Last evaluated: 2018-01-12. Review status: criteria provided, single submitter. Criteria: ICSL Variant Classification Criteria 13 December 2019. Collection method: clinical testing. Allele origin: germline.
Comment: This variant was observed in the ICSL laboratory as part of a predisposition screen in an ostensibly healthy population. It had not been previously curated by ICSL or reported in the Human Gene Mutation Database (HGMD: prior to June 1st, 2018), and was therefore a candidate for classification through an automated scoring system. Utilizing variant allele frequency, disease prevalence and penetrance estimates, and inheritance mode, an automated score was calculated to assess if this variant is too frequent to cause the disease. Based on the score and internal cut-off values, a variant classified as benign is not then subjected to further curation. The score for this variant resulted in a classification of benign for this disease.

Illumina Laboratory Services, Illumina
Classification: Benign for Holoprosencephaly sequence. Last evaluated: 2018-01-12. Review status: criteria provided, single submitter. Criteria: ICSL Variant Classification Criteria 13 December 2019. Collection method: clinical testing. Allele origin: germline.
Comment: the same text as in the submission from Illumina Laboratory Services, Illumina above.

Eurofins Ntd Llc (ga)
Classification: Benign. Last evaluated: 2016-05-17. Review status: criteria provided, single submitter. Criteria: EGL Classification Definitions 2015. Collection method: clinical testing. Allele origin: germline. Observed: 3 variant alleles, 2 heterozygotes, 1 homozygote.

Laboratory for Molecular Medicine, Mass General Brigham Personalized Medicine
Classification: Benign. Last evaluated: 2016-03-29. Review status: criteria provided, single submitter. Criteria: LMM Criteria. Collection method: clinical testing. Allele origin: germline.
Comment: Variant identified in a genome or exome case(s) and assessed due to predicted null impact of the variant or pathogenic assertions in the literature or databases. Disclaimer: This variant has not undergone full assessment. The following are preliminary notes: Frequency

GeneDx
Classification: Benign. Last evaluated: 2015-03-03. Review status: criteria provided, single submitter. Criteria: GeneDx Variant Classification Process June 2021. Collection method: clinical testing. Allele origin: germline. Affected: yes.

Breakthrough Genomics
Classification: Benign. Review status: criteria provided, single submitter. Criteria: ACMG Guidelines, 2015. Collection method: not provided. Allele origin: germline. Inheritance: Autosomal dominant inheritance. Affected: yes.

PreventionGenetics, part of Exact Sciences
Classification: Benign. Review status: criteria provided, single submitter. Criteria: ACMG Guidelines, 2015. Collection method: clinical testing. Allele origin: germline.

Clinical Genetics DNA and cytogenetics Diagnostics Lab, Erasmus MC, Erasmus Medical Center
Classification: Benign. Review status: no assertion criteria provided. Collection method: clinical testing. Allele origin: germline. Affected: yes. Study: VKGL Data-share Consensus. Not counted in ClinVar's aggregate classification.

Joint Genome Diagnostic Labs from Nijmegen and Maastricht, Radboudumc and MUMC+
Classification: Benign. Review status: no assertion criteria provided. Collection method: clinical testing. Allele origin: germline. Affected: yes. Study: VKGL Data-share Consensus. Not counted in ClinVar's aggregate classification.